The following is an entry in ClinVar:

NM_000535.7(PMS2):c.2246A>T (p.Asn749Ile)

Gene: PMS2 (PMS1 homolog 2, mismatch repair system component; minus strand). Cytogenetic location: 7p22.1.
Variant type: single nucleotide variant.
Coding change: c.2246A>T on transcript NM_000535.7 (MANE Select); coding-DNA position 2246, A replaced by T.
Protein change: p.Asn749Ile; replaces asparagine 749 with isoleucine.
Molecular consequence: missense variant. On other transcripts: non-coding transcript variant (1), intron variant (2).
Genome position (GRCh38, 1-based): chr7:5,978,625, T>A on the plus strand (A>T on the coding strand, the complement: PMS2 is on the minus strand). VCF-style: chr7-5978625-T-A. GRCh37 (hg19) VCF-style: chr7-6018256-T-A.
Other names: c.1841A>T, p.Asn614Ile (NM_001018040.1, NM_001322003.2, NM_001322004.2 and 15 more transcripts); c.2090A>T, p.Asn697Ile (NM_001322006.2, NM_001406870.1); c.1928A>T, p.Asn643Ile (NM_001322007.2, NM_001322008.2, NM_001406876.1 and 1 more transcripts); c.1685A>T, p.Asn562Ile (NM_001322010.2, NM_001406906.1, NM_001406907.1); c.1313A>T, p.Asn438Ile (NM_001322011.2, NM_001322012.2); c.1673A>T, p.Asn558Ile (NM_001322013.2, NM_001406908.1, NM_001406909.1); c.2246A>T, p.Asn749Ile (NM_001322014.2); c.1937A>T, p.Asn646Ile (NM_001322015.2, NM_001406875.1, NM_001406877.1 and 5 more transcripts); and 16 more; short protein forms N492I, N562I, N578I, N637I, N646I, N697I, N713I, N757I.
Identifiers: ClinVar variation 2451608 (VCV002451608.2), dbSNP rs2128682504, ClinGen allele CA366736583.

ClinVar aggregate classification (germline): Uncertain significance (1 of 4 stars; one submission).

Conditions:
Hereditary cancer-predisposing syndrome. Also called: Neoplastic Syndromes, Hereditary; Tumor predisposition; Hereditary neoplastic syndrome; Hereditary Cancer Syndrome. Identifiers: Orphanet 140162, MedGen C0027672, MeSH D009386, MONDO:0015356.

Submission:

Ambry Genetics
Classification: Uncertain significance for Hereditary cancer-predisposing syndrome. Last evaluated: 2023-01-17. Review status: criteria provided, single submitter. Criteria: Ambry Variant Classification Scheme 2023. Collection method: clinical testing. Allele origin: germline.
Comment: The p.N749I variant (also known as c.2246A>T), located in coding exon 13 of the PMS2 gene, results from an A to T substitution at nucleotide position 2246. The asparagine at codon 749 is replaced by isoleucine, an amino acid with dissimilar properties. This amino acid position is conserved. In addition, this alteration is predicted to be deleterious by in silico analysis. Since supporting evidence is limited at this time, the clinical significance of this alteration remains unclear.